The following is an entry in ClinVar:

NM_001987.5(ETV6):c.1356C>A (p.Cys452Ter)

Gene: ETV6 (ETS variant transcription factor 6; plus strand). Cytogenetic location: 12p13.2.
Variant type: single nucleotide variant.
Coding change: c.1356C>A on transcript NM_001987.5 (MANE Select); coding-DNA position 1356, C replaced by A.
Protein change: p.Cys452Ter; replaces cysteine 452 with a stop codon.
Molecular consequence: nonsense. On other transcripts: 3 prime UTR variant (1).
Genome position (GRCh38, 1-based): chr12:11,891,043, C>A. VCF-style: chr12-11891043-C-A. GRCh37 (hg19) VCF-style: chr12-12043977-C-A.
Other names: c.1353C>A, p.Cys451Ter (NM_001413913.1); c.1329C>A, p.Cys443Ter (NM_001413914.1); c.1092C>A, p.Cys364Ter (NM_001413915.1); c.*95C>A (NM_001413917.1); short protein forms C443*, C364*, C451*, C452*.
Identifiers: ClinVar variation 4020031 (VCV004020031.1).

ClinVar aggregate classification (germline): Uncertain significance (1 of 4 stars; one submission).

Conditions:
Inborn genetic diseases. Identifiers: MedGen C0950123, MeSH D030342.

gnomAD v4.1: 11 of 1,611,662 alleles (0.00068%); highest among the groups gnomAD compares: East Asian, 0.022%; no homozygotes.

Submission:

Ambry Genetics
Classification: Uncertain significance for Inborn genetic diseases. Last evaluated: 2025-05-07. Review status: criteria provided, single submitter. Criteria: Ambry Variant Classification Scheme 2023. Collection method: clinical testing. Allele origin: germline.
Comment: The p.C452* variant (also known as c.1356C>A), located in coding exon 8 of the ETV6 gene, results from a C to A substitution at nucleotide position 1356. This changes the amino acid from a cysteine to a stop codon within coding exon 8. This alteration occurs at the 3' terminus of theETV6 gene, is not expected to trigger nonsense-mediated mRNAdecay, and only impacts the last amino acid of the protein. The exact functional effect of this alteration is unknown. Based on the available evidence, the clinical significance of this variant remains unclear.